The following is an entry in ClinVar:

NM_005654.6(NR2F1):c.952G>T (p.Glu318Ter)

Gene: NR2F1 (nuclear receptor subfamily 2 group F member 1; plus strand). Cytogenetic location: 5q15.
Variant type: single nucleotide variant.
Coding change: c.952G>T on transcript NM_005654.6 (MANE Select); coding-DNA position 952, G replaced by T.
Protein change: p.Glu318Ter; replaces glutamic acid 318 with a stop codon.
Molecular consequence: nonsense.
Genome position (GRCh38, 1-based): chr5:93,588,405, G>T. VCF-style: chr5-93588405-G-T. GRCh37 (hg19) VCF-style: chr5-92924111-G-T.
Other names: short protein forms E318*.
Identifiers: ClinVar variation 1695136 (VCV001695136.31), dbSNP rs2149943169, ClinGen allele CA360527447.
Genomic context (GRCh38, chr5:93,588,405, plus strand): 5'-CACATCCGCATCTTCCAGGAGCAGGTGGAGAAGCTCAAGGCGCTACACGTCGACTCAGCC[G>T]AGTACAGCTGCCTCAAAGCCATCGTGCTGTTCACGTCAGGTGAGGCTGCGGTCGCGGGGA-3'

ClinVar aggregate classification (germline): Likely pathogenic (1 of 4 stars; one submission).

Submission:

CeGaT Center for Human Genetics Tuebingen
Classification: Likely pathogenic. Last evaluated: 2022-06-01. Review status: criteria provided, single submitter. Criteria: CeGaT Center For Human Genetics Tuebingen Variant Classification Criteria Version 2. Collection method: clinical testing. Allele origin: germline. Affected: yes. Observed: 1 variant allele.
Comment: NR2F1: PVS1:Strong, PM2